The following is an entry in ClinVar:

NM_001012759.3(CTU2):c.1198G>A (p.Ala400Thr)

Gene: CTU2 (cytosolic thiouridylase subunit 2; plus strand). Cytogenetic location: 16q24.3.
Variant type: single nucleotide variant.
Coding change: c.1198G>A on transcript NM_001012759.3 (MANE Select); coding-DNA position 1198, G replaced by A.
Protein change: p.Ala400Thr; replaces alanine 400 with threonine.
Molecular consequence: missense variant.
Genome position (GRCh38, 1-based): chr16:88,714,483, G>A. VCF-style: chr16-88714483-G-A. GRCh37 (hg19) VCF-style: chr16-88780891-G-A.
Other names: c.1198G>A, p.Ala400Thr (NM_001012762.3); c.1411G>A, p.Ala471Thr (NM_001318507.2); c.937G>A, p.Ala313Thr (NM_001318513.2); c.1198G>A (NM_001012759.1); short protein forms A400T, A471T, A313T.
Identifiers: ClinVar variation 1439435 (VCV001439435.8), dbSNP rs993333216, ClinGen allele CA286401685.

ClinVar aggregate classification (germline): Uncertain significance. Review status: criteria provided, multiple submitters, no conflicts (2 of 4 stars). 2 submissions from 2 submitters: Uncertain significance (2). Last evaluated 2024-12-06.

Allele frequency attached by ClinVar (database versions not stated): TOPMed 0.00002; gnomAD exomes 0.00003 and 0.00002; gnomAD 0.00004 and 0.00005.
gnomAD v4.1: 62 of 1,612,620 alleles (0.0038%); highest among the groups gnomAD compares: East Asian, 0.0089%; no homozygotes.

Submissions (2):

Ambry Genetics
Classification: Uncertain significance. Last evaluated: 2024-12-06. Review status: criteria provided, single submitter. Criteria: Ambry Variant Classification Scheme 2023. Collection method: clinical testing. Allele origin: germline.

Labcorp Genetics (formerly Invitae), Labcorp
Classification: Uncertain significance. Last evaluated: 2023-05-23. Review status: criteria provided, single submitter. Criteria: Invitae Variant Classification Sherloc (09022015). Collection method: clinical testing. Allele origin: germline.
Comment: This variant has not been reported in the literature in individuals affected with CTU2-related conditions. In summary, the available evidence is currently insufficient to determine the role of this variant in disease. Therefore, it has been classified as a Variant of Uncertain Significance. Advanced modeling of protein sequence and biophysical properties (such as structural, functional, and spatial information, amino acid conservation, physicochemical variation, residue mobility, and thermodynamic stability) performed at Invitae indicates that this missense variant is not expected to disrupt CTU2 protein function. ClinVar contains an entry for this variant (Variation ID: 1439435). This variant is present in population databases (no rsID available, gnomAD 0.02%). This sequence change replaces alanine, which is neutral and non-polar, with threonine, which is neutral and polar, at codon 400 of the CTU2 protein (p.Ala400Thr).